The following is an entry in ClinVar:

NM_022124.6(CDH23):c.3839TGA[1] (p.Met1281del)

Genes: C10orf105 (chromosome 10 open reading frame 105; minus strand), CDH23 (cadherin related 23; plus strand). Cytogenetic location: 10q22.1.
Variant type: Microsatellite.
Coding change: c.3839TGA[1] on transcript NM_022124.6 (MANE Select); one copy of the 3-base unit TGA starting at c.3839; the reference has two copies in a row; one copy, 3 bases deleted.
Protein change: p.Met1281del; deletes methionine 1281.
Molecular consequence: inframe deletion. On other transcripts: intron variant (1).
Genome position (GRCh38, 1-based): chr10:71,732,113-71,732,115, TGA deleted; deleting any 3 consecutive bases within chr10:71,732,109-71,732,115 gives the same sequence; the position shown is the placement nearest the transcript's 3' end. VCF-style (leftmost placement, unchanged base first): chr10-71732108-CATG-C. GRCh37 (hg19) VCF-style: chr10-73491865-CATG-C.
Other names: c.3839TGA[1], p.Met1281del (NM_001171930.2); c.-6+5617_-6+5619del (NM_001168390.2); short protein forms M1281del.
Identifiers: ClinVar variation 4917 (VCV000004917.5), dbSNP rs796051860, ClinGen allele CA253323.

ClinVar aggregate classification (germline): Conflicting classifications of pathogenicity. Review status: criteria provided, conflicting classifications (1 of 4 stars). 3 submissions from 3 submitters: Likely pathogenic (1); Uncertain significance (1). 1 of the submissions does not count toward it. Last evaluated 2024-02-04.

Conditions:
Usher syndrome type 1D (USH1D). Also called: USHER SYNDROME, TYPE ID. Identifiers: Orphanet 231169, Orphanet 886, MedGen C1832845, MONDO:0010984, OMIM 601067.

Submissions (3):

Labcorp Genetics (formerly Invitae), Labcorp
Classification: Uncertain significance. Last evaluated: 2024-02-04. Review status: criteria provided, single submitter. Criteria: Invitae Variant Classification Sherloc (09022015). Collection method: clinical testing. Allele origin: germline.
Comment: This variant, c.3842_3844del, results in the deletion of 1 amino acid(s) of the CDH23 protein (p.Met1281del), but otherwise preserves the integrity of the reading frame. This variant is present in population databases (rs769774134, gnomAD 0.0009%). This variant has been observed in individual(s) with Usher syndrome (PMID: 11138009). In at least one individual the data is consistent with being in trans (on the opposite chromosome) from a pathogenic variant. ClinVar contains an entry for this variant (Variation ID: 4917). RNA analysis performed to evaluate the impact of this variant on mRNA splicing indicates it does not significantly alter splicing (PMID: 18273900). In summary, the available evidence is currently insufficient to determine the role of this variant in disease. Therefore, it has been classified as a Variant of Uncertain Significance.

Institute of Medical Genetics and Applied Genomics, University Hospital Tübingen
Classification: Likely pathogenic for Usher syndrome type 1D. Last evaluated: 2023-04-21. Review status: criteria provided, single submitter. Criteria: ACMG Guidelines, 2015. Collection method: clinical testing. Allele origin: germline. Inheritance: Autosomal recessive inheritance. Affected: yes.

OMIM
Classification: Pathogenic for USHER SYNDROME, TYPE ID. Last evaluated: 2001-01-01. Review status: no assertion criteria provided. Collection method: literature only. Allele origin: germline. Not counted in ClinVar's aggregate classification.

Literature cited by the submitters: PubMed 11138009 (cited by Labcorp Genetics (formerly Invitae), Labcorp and OMIM); PubMed 18273900 (cited by Labcorp Genetics (formerly Invitae), Labcorp).